The following is an entry in ClinVar:

NM_004006.3(DMD):c.3217G>A (p.Glu1073Lys)

Gene: DMD (dystrophin; minus strand). Cytogenetic location: Xp21.1.
Variant type: single nucleotide variant.
Coding change: c.3217G>A on transcript NM_004006.3 (MANE Select); coding-DNA position 3217, G replaced by A.
Protein change: p.Glu1073Lys; replaces glutamic acid 1073 with lysine.
Molecular consequence: missense variant.
Genome position (GRCh38, 1-based): chrX:32,464,645, C>T on the plus strand (G>A on the coding strand, the complement: DMD is on the minus strand). VCF-style: chrX-32464645-C-T. GRCh37 (hg19) VCF-style: chrX-32482762-C-T.
Other names: c.3193G>A, p.Glu1065Lys (NM_000109.4); c.3205G>A, p.Glu1069Lys (NM_004009.3); c.2848G>A, p.Glu950Lys (NM_004010.3); short protein forms E950K, E1065K, E1069K.
Identifiers: ClinVar variation 94579 (VCV000094579.28), dbSNP rs398123931, ClinGen allele CA222373.

ClinVar aggregate classification (germline): Conflicting classifications of pathogenicity. Review status: criteria provided, conflicting classifications (1 of 4 stars). 8 submissions from 8 submitters: Uncertain significance (1); Benign (3); Likely benign (3). 1 of the submissions does not count toward it. Last evaluated 2026-01-24.

Conditions:
Dystrophin deficiency.
Duchenne muscular dystrophy (DMD). Also called: MUSCULAR DYSTROPHY, PSEUDOHYPERTROPHIC PROGRESSIVE, DUCHENNE TYPE; Duchenne Muscular Dystrophy (DMD). Identifiers: Orphanet 98896, MedGen C0013264, MONDO:0010679, OMIM 310200.
Cardiomyopathy (CMYO). Also called: Cardiomyopathies. Identifiers: Orphanet 167848, MedGen C0878544, MONDO:0004994, HP:0001638. Inheritance: Various modes of inheritance.
Becker muscular dystrophy (BMD). Also called: MUSCULAR DYSTROPHY, PSEUDOHYPERTROPHIC PROGRESSIVE, BECKER TYPE; Becker Muscular Dystrophy (BMD). Identifiers: Orphanet 98895, MedGen C0917713, MONDO:0010311, OMIM 300376.
Cardiovascular phenotype. Identifiers: MedGen CN230736.

Allele frequency attached by ClinVar (database versions not stated): gnomAD 0.00004; gnomAD exomes 0.00007 and 0.00038; TOPMed 0.00016; ExAC 0.00031.
gnomAD v4.1: 80 of 1,209,095 alleles (0.0066%); highest among the groups gnomAD compares: Admixed American, 0.17%; 1 homozygote.

Submissions (8):

Labcorp Genetics (formerly Invitae), Labcorp
Classification: Benign for Duchenne muscular dystrophy. Last evaluated: 2026-01-24. Review status: criteria provided, single submitter. Criteria: Invitae Variant Classification Sherloc (09022015). Collection method: clinical testing. Allele origin: germline.

CeGaT Center for Human Genetics Tuebingen
Classification: Likely benign. Last evaluated: 2026-01-01. Review status: criteria provided, single submitter. Criteria: CeGaT Center For Human Genetics Tuebingen Variant Classification Criteria Version 2. Collection method: clinical testing. Allele origin: germline. Affected: yes. Observed: 1 variant allele.
Comment: DMD: BS2

Revvity Omics, Revvity
Classification: Likely benign. Last evaluated: 2024-11-13. Review status: criteria provided, single submitter. Criteria: ACMG Guidelines, 2015. Collection method: clinical testing. Allele origin: germline.

ARUP Laboratories, Molecular Genetics and Genomics, ARUP Laboratories
Classification: Benign. Last evaluated: 2022-05-04. Review status: criteria provided, single submitter. Criteria: ARUP Molecular Germline Variant Investigation Process 2021. Collection method: clinical testing. Allele origin: germline.

GeneDx
Classification: Benign. Last evaluated: 2021-06-23. Review status: criteria provided, single submitter. Criteria: GeneDx Variant Classification Process June 2021. Collection method: clinical testing. Allele origin: germline. Affected: yes.
Comment: This variant is associated with the following publications: (PMID: 31671740)

Ambry Genetics
Classification: Likely benign for Cardiovascular phenotype. Last evaluated: 2019-03-22. Review status: criteria provided, single submitter. Criteria: Ambry Variant Classification Scheme 2023. Collection method: clinical testing. Allele origin: germline.

Eurofins Ntd Llc (ga)
Classification: Uncertain significance. Last evaluated: 2015-05-21. Review status: criteria provided, single submitter. Criteria: EGL Classification Definitions 2015. Collection method: clinical testing. Allele origin: germline. Observed: 4 variant alleles, 3 heterozygotes, 1 hemizygote.

Natera, Inc.
Classification: Likely benign for Becker muscular dystrophy; Cardiomyopathy; Duchenne muscular dystrophy; Dystrophin deficiency. Last evaluated: 2019-08-02. Review status: no assertion criteria provided. Collection method: clinical testing. Allele origin: germline. Not counted in ClinVar's aggregate classification.